The following is an entry in ClinVar:

NM_005204.4(MAP3K8):c.1299G>A (p.Glu433=)

Gene: MAP3K8 (mitogen-activated protein kinase kinase kinase 8; plus strand). Cytogenetic location: 10p11.23.
Variant type: single nucleotide variant.
Coding change: c.1299G>A on transcript NM_005204.4 (MANE Select); coding-DNA position 1299, G replaced by A.
Protein change: p.Glu433=; no amino-acid change (glutamic acid 433 retained).
Molecular consequence: synonymous variant.
Genome position (GRCh38, 1-based): chr10:30,460,731, G>A. VCF-style: chr10-30460731-G-A. GRCh37 (hg19) VCF-style: chr10-30749660-G-A.
Other names: c.1299G>A, p.Glu433= (NM_001244134.1, NM_001320961.2).
Identifiers: ClinVar variation 3388858 (VCV003388858.14).

ClinVar aggregate classification (germline): Likely benign (1 of 4 stars; one submission).

Submission:

CeGaT Center for Human Genetics Tuebingen
Classification: Likely benign. Last evaluated: 2024-10-01. Review status: criteria provided, single submitter. Criteria: CeGaT Center For Human Genetics Tuebingen Variant Classification Criteria Version 2. Collection method: clinical testing. Allele origin: germline. Affected: yes. Observed: 1 variant allele.
Comment: MAP3K8: PM2:Supporting, BP4, BP7